The following is an entry in ClinVar:

NM_000541.5(SAG):c.226A>G (p.Ile76Val)

Gene: SAG (S-antigen visual arrestin; plus strand). Cytogenetic location: 2q37.1.
Variant type: single nucleotide variant.
Coding change: c.226A>G on transcript NM_000541.5 (MANE Select); coding-DNA position 226, A replaced by G.
Protein change: p.Ile76Val; replaces isoleucine 76 with valine.
Molecular consequence: missense variant.
Genome position (GRCh38, 1-based): chr2:233,320,674, A>G. VCF-style: chr2-233320674-A-G. GRCh37 (hg19) VCF-style: chr2-234229320-A-G.
Other names: short protein forms I76V.
Identifiers: ClinVar variation 335067 (VCV000335067.16), dbSNP rs7565275, ClinGen allele CA2174309.

ClinVar aggregate classification (germline): Benign. Review status: criteria provided, multiple submitters, no conflicts (2 of 4 stars). 6 submissions from 5 submitters: Benign (6). Last evaluated 2026-02-02.

Conditions:
Retinal dystrophy. Also called: Inherited retinal dystrophy. Identifiers: Orphanet 71862, MedGen C0854723, MeSH D058499, MONDO:0019118, HP:0000556.
Oguchi disease. Also called: Oguchi's disease. Identifiers: Orphanet 75382, MedGen C1306122, MONDO:0019152.
Retinitis pigmentosa (RP). Identifiers: Orphanet 791, MedGen C0035334, MeSH D012174, MONDO:0019200, OMIM 268000. Inheritance: Autosomal dominant, autosomal recessive and X linked inheritance.

Allele frequency attached by ClinVar (database versions not stated): gnomAD exomes 0.05419 and 0.05745; TOPMed 0.06057; gnomAD 0.06304 and 0.06393; ESP Exome Variant Server 0.06463; 1000 Genomes Project 30x 0.07292; 1000 Genomes Project 0.07448; ExAC 0.09542.
gnomAD v4.1: 88,682 of 1,606,718 alleles (5.5%); highest among the groups gnomAD compares: South Asian, 10%; 2,784 homozygotes.

Submissions (6):

Labcorp Genetics (formerly Invitae), Labcorp
Classification: Benign. Last evaluated: 2026-02-02. Review status: criteria provided, single submitter. Criteria: Invitae Variant Classification Sherloc (09022015). Collection method: clinical testing. Allele origin: germline.

Dept Of Ophthalmology, Nagoya University
Classification: Benign for Retinal dystrophy. Last evaluated: 2023-10-01. Review status: criteria provided, single submitter. Criteria: Submitter's publication. Collection method: research. Allele origin: germline. Affected: yes.

GeneDx
Classification: Benign. Last evaluated: 2018-04-18. Review status: criteria provided, single submitter. Criteria: GeneDx Variant Classification (06012015). Collection method: clinical testing. Allele origin: germline. Affected: yes.
Comment: This variant is considered likely benign or benign based on one or more of the following criteria: it is a conservative change, it occurs at a poorly conserved position in the protein, it is predicted to be benign by multiple in silico algorithms, and/or has population frequency not consistent with disease.

Illumina Laboratory Services, Illumina
Classification: Benign for Retinitis pigmentosa. Last evaluated: 2018-01-13. Review status: criteria provided, single submitter. Criteria: ICSL Variant Classification Criteria 13 December 2019. Collection method: clinical testing. Allele origin: germline.
Comment: This variant was observed in the ICSL laboratory as part of a predisposition screen in an ostensibly healthy population. It had not been previously curated by ICSL or reported in the Human Gene Mutation Database (HGMD: prior to June 1st, 2018), and was therefore a candidate for classification through an automated scoring system. Utilizing variant allele frequency, disease prevalence and penetrance estimates, and inheritance mode, an automated score was calculated to assess if this variant is too frequent to cause the disease. Based on the score and internal cut-off values, a variant classified as benign is not then subjected to further curation. The score for this variant resulted in a classification of benign for this disease.

Illumina Laboratory Services, Illumina
Classification: Benign for Oguchi disease-1. Last evaluated: 2018-01-13. Review status: criteria provided, single submitter. Criteria: ICSL Variant Classification Criteria 13 December 2019. Collection method: clinical testing. Allele origin: germline.
Comment: the same text as in the submission from Illumina Laboratory Services, Illumina above.

Breakthrough Genomics
Classification: Benign. Review status: criteria provided, single submitter. Criteria: ACMG Guidelines, 2015. Collection method: not provided. Allele origin: germline. Inheritance: Autosomal recessive inheritance. Affected: yes.